The following is an entry in ClinVar:

ClinVar aggregate classification (germline): Likely benign. Review status: criteria provided, multiple submitters, no conflicts (2 of 4 stars). 2 submissions from 2 submitters: Likely benign (2). Last evaluated 2023-04-28.

Conditions:
Malignant hyperthermia, susceptibility to, 5 (MHS5). Also called: CACNA1S-Related Malignant Hyperthermia Susceptibility. Identifiers: Orphanet 423, MedGen C1866077, MONDO:0011163, OMIM 601887.
Hypokalemic periodic paralysis, type 1. Also called: Hypokalemic Periodic Paralysis Type 1 (AD); HypoPP. Identifiers: Orphanet 681, MedGen C3714580, MONDO:0042979, OMIM 170400.

Allele frequency attached by ClinVar (database versions not stated): gnomAD exomes below 0.00001; TOPMed 0.00001.
gnomAD v4.1: 2 of 1,613,958 alleles (0.00012%); highest among the groups gnomAD compares: African/African-American, 0.0013%; no homozygotes.

Submissions (2):

All of Us Research Program, National Institutes of Health
Classification: Likely benign for Malignant hyperthermia, susceptibility to, 5. Last evaluated: 2023-04-28. Review status: criteria provided, single submitter. Criteria: ACMG Guidelines, 2015. Collection method: clinical testing. Allele origin: germline. Inheritance: Autosomal dominant inheritance. Observed: 1 variant allele, 1 heterozygote.
Comment: This study involves interpretation of variants in research participants for the purpose of population health screening. Participant phenotype was not available at the time of variant classification. Additional details can be found in publication PMID: 35346344, PMCID: PMC8962531

Labcorp Genetics (formerly Invitae), Labcorp
Classification: Likely benign for Hypokalemic periodic paralysis, type 1; Malignant hyperthermia, susceptibility to, 5. Last evaluated: 2023-03-14. Review status: criteria provided, single submitter. Criteria: Invitae Variant Classification Sherloc (09022015). Collection method: clinical testing. Allele origin: germline.

NM_000069.3(CACNA1S):c.2491-6C>T

Gene: CACNA1S (calcium voltage-gated channel subunit alpha1 S; minus strand). Cytogenetic location: 1q32.1.
Variant type: single nucleotide variant.
Coding change: c.2491-6C>T on transcript NM_000069.3 (MANE Select); 6 bases into the intron before coding-DNA position 2491, C replaced by T.
Molecular consequence: intron variant.
Genome position (GRCh38, 1-based): chr1:201,069,202, G>A on the plus strand (C>T on the coding strand, the complement: CACNA1S is on the minus strand). VCF-style: chr1-201069202-G-A. GRCh37 (hg19) VCF-style: chr1-201038330-G-A.
Identifiers: ClinVar variation 2928852 (VCV002928852.4), dbSNP rs1478199435, ClinGen allele CA730082290.